The following is an entry in ClinVar:

NM_001378414.1(HDAC4):c.868T>C (p.Ser290Pro)

Gene: HDAC4 (histone deacetylase 4; minus strand). Cytogenetic location: 2q37.3.
Variant type: single nucleotide variant.
Coding change: c.868T>C on transcript NM_001378414.1 (MANE Select); coding-DNA position 868, T replaced by C.
Protein change: p.Ser290Pro; replaces serine 290 with proline.
Molecular consequence: missense variant.
Genome position (GRCh38, 1-based): chr2:239,139,794, A>G on the plus strand (T>C on the coding strand, the complement: HDAC4 is on the minus strand). VCF-style: chr2-239139794-A-G. GRCh37 (hg19) VCF-style: chr2-240061490-A-G.
Other names: c.868T>C, p.Ser290Pro (NM_001378415.1, NM_001378416.1, NM_001378417.1 and 1 more transcripts); short protein forms S290P.
Identifiers: ClinVar variation 2633500 (VCV002633500.1), dbSNP rs2152900682, ClinGen allele CA351270607.

ClinVar aggregate classification (germline): Uncertain significance (1 of 4 stars; one submission).

Conditions:
HDAC4-related disorder. Also called: HDAC4-related condition.

Allele frequency attached by ClinVar (database versions not stated): gnomAD exomes 0.00001.
gnomAD v4.1: 7 of 1,612,874 alleles (0.00043%); highest among the groups gnomAD compares: Non-Finnish European, 0.00059%; no homozygotes.

Submission:

PreventionGenetics, part of Exact Sciences
Classification: Uncertain significance for HDAC4-related condition. Last evaluated: 2023-03-27. Review status: criteria provided, single submitter. Criteria: ACMG Guidelines, 2015. Collection method: clinical testing. Allele origin: germline.
Comment: The HDAC4 c.868T>C variant is predicted to result in the amino acid substitution p.Ser290Pro. To our knowledge, this variant has not been reported in the literature or in a large population database, indicating this variant is rare. At this time, the clinical significance of this variant is uncertain due to the absence of conclusive functional and genetic evidence.